The following is an entry in ClinVar:

NM_001375380.1(EBF3):c.358G>A (p.Val120Ile)

Gene: EBF3 (EBF transcription factor 3; minus strand). Cytogenetic location: 10q26.3.
Variant type: single nucleotide variant.
Coding change: c.358G>A on transcript NM_001375380.1 (MANE Select); coding-DNA position 358, G replaced by A.
Protein change: p.Val120Ile; replaces valine 120 with isoleucine.
Molecular consequence: missense variant.
Genome position (GRCh38, 1-based): chr10:129,962,224, C>T on the plus strand (G>A on the coding strand, the complement: EBF3 is on the minus strand). VCF-style: chr10-129962224-C-T. GRCh37 (hg19) VCF-style: chr10-131760488-C-T.
Other names: c.358G>A, p.Val120Ile (NM_001005463.3, NM_001375379.1, NM_001375389.1 and 3 more transcripts); short protein forms V120I.
Identifiers: ClinVar variation 3781288 (VCV003781288.1).

ClinVar aggregate classification (germline): Uncertain significance (1 of 4 stars; one submission).

gnomAD v4.1: 2 of 1,613,974 alleles (0.00012%); highest among the groups gnomAD compares: African/African-American, 0.0013%; no homozygotes.

Submission:

GeneDx
Classification: Uncertain significance. Last evaluated: 2024-10-18. Review status: criteria provided, single submitter. Criteria: GeneDx Variant Classification Process June 2021. Collection method: clinical testing. Allele origin: germline. Affected: yes.
Comment: Not observed at significant frequency in large population cohorts (gnomAD); In silico analysis indicates that this missense variant does not alter protein structure/function; Has not been previously published as pathogenic or benign to our knowledge